The following is an entry in ClinVar:

ClinVar aggregate classification (germline): Likely pathogenic. Review status: criteria provided, multiple submitters, no conflicts (2 of 4 stars). 2 submissions from 2 submitters: Likely pathogenic (2). Last evaluated 2024-06-07.

Conditions:
LZTR1-related schwannomatosis. Also called: Schwannomatosis-2, susceptibility to; Schwannomatosis 2. Identifiers: Orphanet 93921, MedGen C3810283, MONDO:0014299, OMIM 615670.

Submissions (2):

Human Genetics Bochum, Ruhr University Bochum
Classification: Likely pathogenic for LZTR1-related schwannomatosis. Last evaluated: 2024-06-07. Review status: criteria provided, single submitter. Criteria: ACMG Guidelines, 2015. Collection method: clinical testing. Allele origin: germline. Affected: yes.
Comment: ACMG criteria used to clasify this variant: PVS1_STR, PM1_SUP, PM2_SUP

GeneDx
Classification: Likely pathogenic. Last evaluated: 2023-11-07. Review status: criteria provided, single submitter. Criteria: GeneDx Variant Classification Process June 2021. Collection method: clinical testing. Allele origin: germline. Affected: yes.
Comment: Nonsense variant predicted to result in protein truncation, as the last 53 amino acids are lost, and other loss-of-function variants have been reported downstream in HGMD; Not observed at significant frequency in large population cohorts (gnomAD); Reported in an individual with Charcot-Marie-Tooth disease in published literature (PMID: 33414056); This variant is associated with the following publications: (PMID: 22781092, 33414056)

NM_001005373.4(LRSAM1):c.2011C>T (p.Gln671Ter)

Gene: LRSAM1 (leucine rich repeat and sterile alpha motif containing 1; plus strand). Cytogenetic location: 9q34.11.
Variant type: single nucleotide variant.
Coding change: c.2011C>T on transcript NM_001005373.4 (MANE Select); coding-DNA position 2011, C replaced by T.
Protein change: p.Gln671Ter; replaces glutamine 671 with a stop codon.
Molecular consequence: nonsense. On other transcripts: non-coding transcript variant (2).
Genome position (GRCh38, 1-based): chr9:127,501,108, C>T. VCF-style: chr9-127501108-C-T. GRCh37 (hg19) VCF-style: chr9-130263387-C-T.
Other names: c.2011C>T, p.Gln671Ter (NM_001005374.4, NM_001384142.1, NM_138361.5); c.1930C>T, p.Gln644Ter (NM_001190723.3); c.1912C>T, p.Gln638Ter (NM_001384143.1); c.1222C>T, p.Gln408Ter (NM_001384144.1); short protein forms Q671*, Q644*, Q408*, Q638*.
Identifiers: ClinVar variation 234833 (VCV000234833.7), dbSNP rs876661247, ClinGen allele CA10577374.